The following is an entry in ClinVar:

NM_001374504.1(TMPRSS6):c.355_361del (p.Ser119fs)

Gene: TMPRSS6 (transmembrane serine protease 6; minus strand). Cytogenetic location: 22q12.3.
Variant type: Deletion.
Coding change: c.355_361del on transcript NM_001374504.1 (MANE Select); coding-DNA positions 355 to 361, 7 bases deleted (AGCACCC; older notation c.355_361delAGCACCC).
Protein change: p.Ser119fs; shifts the reading frame from serine 119.
Molecular consequence: frameshift variant.
Genome position (GRCh38, 1-based): chr22:37,096,691-37,096,697, GGGTGCT deleted on the plus strand (AGCACCC on the coding strand, the reverse complement: TMPRSS6 is on the minus strand); deleting any 7 consecutive bases within chr22:37,096,691-37,096,699 gives the same sequence; the c. name uses the placement nearest the transcript's 3' end. VCF-style (leftmost placement, unchanged base first): chr22-37096690-CGGGTGCT-C. GRCh37 (hg19) VCF-style: chr22-37492730-CGGGTGCT-C.
Other names: c.355_361del, p.Ser119fs (NM_001289000.2, NM_001289001.2, NM_153609.4); short protein forms S119fs.
Identifiers: ClinVar variation 3658350 (VCV003658350.2).

ClinVar aggregate classification (germline): Pathogenic (1 of 4 stars; one submission).

Submission:

Labcorp Genetics (formerly Invitae), Labcorp
Classification: Pathogenic. Last evaluated: 2024-06-30. Review status: criteria provided, single submitter. Criteria: Invitae Variant Classification Sherloc (09022015). Collection method: clinical testing. Allele origin: germline.
Comment: This sequence change creates a premature translational stop signal (p.Ser128Alafs*35) in the TMPRSS6 gene. It is expected to result in an absent or disrupted protein product. Loss-of-function variants in TMPRSS6 are known to be pathogenic (PMID: 20232450, 25156943). This variant is not present in population databases (gnomAD no frequency). This variant has not been reported in the literature in individuals affected with TMPRSS6-related conditions. For these reasons, this variant has been classified as Pathogenic.

Literature cited by the submitters: PubMed 20232450; PubMed 25156943.